The following is an entry in ClinVar:

NM_031407.7(HUWE1):c.11379+4A>G

Gene: HUWE1 (HECT, UBA and WWE domain containing E3 ubiquitin protein ligase 1; minus strand). Cytogenetic location: Xp11.22.
Variant type: single nucleotide variant.
Coding change: c.11379+4A>G on transcript NM_031407.7 (MANE Select); 4 bases into the intron after coding-DNA position 11379, A replaced by G.
Molecular consequence: intron variant.
Genome position (GRCh38, 1-based): chrX:53,543,837, T>C on the plus strand (A>G on the coding strand, the complement: HUWE1 is on the minus strand). VCF-style: chrX-53543837-T-C. GRCh37 (hg19) VCF-style: chrX-53570798-T-C.
Other names: c.11331+49A>G (NM_001441048.1, NM_001441053.1, NM_001441058.1); c.11376+4A>G (NM_001441051.1, NM_001441056.1); c.11334+49A>G (NM_001441049.1, NM_001441054.1); c.11355+49A>G (NM_001441050.1, NM_001441055.1); c.10977+4A>G (NM_001441052.1); c.11379+4A>G (NM_001441057.1).
Identifiers: ClinVar variation 4723461 (VCV004723461.1).

ClinVar aggregate classification (germline): Uncertain significance (1 of 4 stars; one submission).

Submission:

Labcorp Genetics (formerly Invitae), Labcorp
Classification: Uncertain significance. Last evaluated: 2026-01-03. Review status: criteria provided, single submitter. Criteria: Invitae Variant Classification Sherloc (09022015). Collection method: clinical testing. Allele origin: germline.
Comment: This sequence change falls in intron 73 of the HUWE1 gene. It does not directly change the encoded amino acid sequence of the HUWE1 protein. It affects a nucleotide within the consensus splice site. This variant is not present in population databases (gnomAD no frequency). This variant has not been reported in the literature in individuals affected with HUWE1-related conditions. Variants that disrupt the consensus splice site are a relatively common cause of aberrant splicing (PMID: 17576681, 9536098). Algorithms developed to predict the effect of sequence changes on RNA splicing suggest that this variant may disrupt the consensus splice site. In summary, the available evidence is currently insufficient to determine the role of this variant in disease. Therefore, it has been classified as a Variant of Uncertain Significance.

Literature cited by the submitters: PubMed 17576681; PubMed 9536098.